The following is an entry in ClinVar:

ClinVar aggregate classification (germline): Likely pathogenic (1 of 4 stars; one submission).

Conditions:
Primary ciliary dyskinesia 7. Also called: CILIARY DYSKINESIA, PRIMARY, 7, WITH OR WITHOUT SITUS INVERSUS. Identifiers: Orphanet 244, MedGen C2678473, MONDO:0012748, OMIM 611884.

Submission:

Broad Center for Mendelian Genomics, Broad Institute of MIT and Harvard
Classification: Likely pathogenic for Primary ciliary dyskinesia 7. Last evaluated: 2025-02-10. Review status: criteria provided, single submitter. Criteria: ACMG Guidelines, 2015. Collection method: curation. Allele origin: germline. Inheritance: Autosomal recessive inheritance.
Comment: The p.Asn41SerfsTer56 variant in DNAH11 has been reported, in the compound heterozygous state, in 1 individual with primary ciliary dyskinesia (PMID: 24450482), and has been identified in 0.00009% (1/1146822) of European (non-Finnish) chromosomes by the Genome Aggregation Database (gnomAD). Although this variant has been seen in the general population in a heterozygous state, its frequency is low enough to be consistent with a recessive carrier frequency. This variant is predicted to cause a frameshift, which alters the protein's amino acid sequence beginning at position 41 and leads to a premature termination codon 56 amino acids downstream. This alteration is then predicted to lead to a truncated or absent protein. The next in-frame methionine is at amino acid residue 68 and there are at least 10 reported pathogenic or likely pathogenic variants in ClinVar upstream of this downstream methionine. Loss of function of the DNAH11 gene is an established disease mechanism in autosomal recessive primary ciliary dyskinesia. In summary, although additional studies are required to fully establish its clinical significance, this variant is likely pathogenic for autosomal recessive primary ciliary dyskinesia. ACMG/AMP Criteria applied: PVS1_strong, PM3, PM2_supporting (Richards 2015).

NM_001277115.2(DNAH11):c.122_147del (p.Asn41fs)

Gene: DNAH11 (dynein axonemal heavy chain 11; plus strand). Cytogenetic location: 7p15.3.
Variant type: Deletion.
Coding change: c.122_147del on transcript NM_001277115.2 (MANE Select); coding-DNA positions 122 to 147, 26 bases deleted (ACGAGGAGGAGGCGGCGGCCAGGAGA).
Protein change: p.Asn41fs; shifts the reading frame from asparagine 41.
Molecular consequence: frameshift variant.
Genome position (GRCh38, 1-based): chr7:21,543,367-21,543,392, ACGAGGAGGAGGCGGCGGCCAGGAGA deleted; deleting any 26 consecutive bases within chr7:21,543,361-21,543,392 gives the same sequence; the c. name uses the placement nearest the transcript's 3' end. VCF-style (leftmost placement, unchanged base first): chr7-21543360-GAGGAGAACGAGGAGGAGGCGGCGGCC-G. GRCh37 (hg19) VCF-style: chr7-21582978-GAGGAGAACGAGGAGGAGGCGGCGGCC-G.
Other names: NM_001277115.2:c.122_147del; short protein forms N41fs.
Identifiers: ClinVar variation 3776904 (VCV003776904.1).